The following is an entry in ClinVar:

ClinVar aggregate classification (germline): Uncertain significance (1 of 4 stars; one submission).

Allele frequency attached by ClinVar (database versions not stated): ExAC 0.00027; gnomAD 0.00030; 1000 Genomes Project 0.00020; ESP Exome Variant Server 0.00023; TOPMed 0.00026; gnomAD exomes 0.00017; 1000 Genomes Project 30x 0.00031.
gnomAD v4.1: 297 of 1,614,170 alleles (0.018%); highest among the groups gnomAD compares: African/African-American, 0.049%; no homozygotes.

Submission:

Labcorp Genetics (formerly Invitae), Labcorp
Classification: Uncertain significance. Last evaluated: 2022-08-07. Review status: criteria provided, single submitter. Criteria: Invitae Variant Classification Sherloc (09022015). Collection method: clinical testing. Allele origin: germline.
Comment: In summary, the available evidence is currently insufficient to determine the role of this variant in disease. Therefore, it has been classified as a Variant of Uncertain Significance. Algorithms developed to predict the effect of missense changes on protein structure and function are either unavailable or do not agree on the potential impact of this missense change (SIFT: "Not Available"; PolyPhen-2: "Probably Damaging"; Align-GVGD: "Not Available"). This variant has not been reported in the literature in individuals affected with CRADD-related conditions. This variant is present in population databases (rs147581583, gnomAD 0.2%). This sequence change replaces threonine, which is neutral and polar, with methionine, which is neutral and non-polar, at codon 37 of the CRADD protein (p.Thr37Met).

NM_003805.5(CRADD):c.110C>T (p.Thr37Met)

Gene: CRADD (CARD and death domain containing adaptor protein; plus strand). Cytogenetic location: 12q22.
Variant type: single nucleotide variant.
Coding change: c.110C>T on transcript NM_003805.5 (MANE Select); coding-DNA position 110, C replaced by T.
Protein change: p.Thr37Met; replaces threonine 37 with methionine.
Molecular consequence: missense variant. On other transcripts: non-coding transcript variant (1).
Genome position (GRCh38, 1-based): chr12:93,678,884, C>T. VCF-style: chr12-93678884-C-T. GRCh37 (hg19) VCF-style: chr12-94072660-C-T.
Other names: c.110C>T, p.Thr37Met (NM_001320099.2, NM_001320100.2, NM_001320101.3 and 1 more transcripts); short protein forms T37M.
Identifiers: ClinVar variation 2071258 (VCV002071258.4), dbSNP rs147581583, ClinGen allele CA6720123.
Genomic context (GRCh38, chr12:93,678,884, plus strand): 5'-GTGCAGAGGTATTGGTGGAGGGACTGGTTCTTCAGTACCTCTACCAGGAAGGAATCTTGA[C>T]GGAAAACCATATTCAAGAAATCAATGCTCAAACCACAGGCCTCCGGAAAACAATGCTCCT-3'
Protein context (NP_003796.1, residues 27-47): LQYLYQEGIL[Thr37Met]ENHIQEINAQ